The following is an entry in ClinVar:

NM_001164508.2(NEB):c.21875del (p.Gly7292fs)

Genes: NEB (nebulin; minus strand), RIF1 (replication timing regulatory factor 1; plus strand). Cytogenetic location: 2q23.3.
Variant type: Deletion.
Coding change: c.21875del on transcript NM_001164508.2 (MANE Select); coding-DNA position 21875, one base deleted (G; older notation c.21875delG).
Protein change: p.Gly7292fs; shifts the reading frame from glycine 7292.
Molecular consequence: frameshift variant.
Genome position (GRCh38, 1-based): chr2:151,526,988, C deleted on the plus strand (G on the coding strand, the reverse complement: NEB is on the minus strand); the first of 3 consecutive C bases (chr2:151,526,988-151,526,990); deleting any one gives the same sequence. VCF-style (leftmost placement, unchanged base first): chr2-151526987-AC-A. GRCh37 (hg19) VCF-style: chr2-152383501-AC-A.
Other names: c.21875del, p.Gly7292fs (NM_001164507.2); c.21980del, p.Gly7327fs (NM_001271208.2); c.16772del, p.Gly5591fs (NM_004543.5); short protein forms G7292fs, G7327fs, G5591fs.
Identifiers: ClinVar variation 3690898 (VCV003690898.2).

ClinVar aggregate classification (germline): Pathogenic (1 of 4 stars; one submission).

Conditions:
Nemaline myopathy 2 (NEM2). Also called: Nemaline myopathy 2, autosomal recessive. Identifiers: MedGen C1850569, MONDO:0009725, OMIM 256030.

Submission:

Labcorp Genetics (formerly Invitae), Labcorp
Classification: Pathogenic for Nemaline myopathy 2. Last evaluated: 2024-07-31. Review status: criteria provided, single submitter. Criteria: Invitae Variant Classification Sherloc (09022015). Collection method: clinical testing. Allele origin: germline.
Comment: This sequence change creates a premature translational stop signal (p.Gly7327Valfs*20) in the NEB gene. It is expected to result in an absent or disrupted protein product. Loss-of-function variants in NEB are known to be pathogenic (PMID: 25205138). This variant is not present in population databases (gnomAD no frequency). This variant has not been reported in the literature in individuals affected with NEB-related conditions. Algorithms developed to predict the effect of sequence changes on RNA splicing suggest that this variant may disrupt the consensus splice site. For these reasons, this variant has been classified as Pathogenic.

Literature cited by the submitters: PubMed 25205138.